The following is an entry in ClinVar:

ClinVar aggregate classification (germline): Uncertain significance (1 of 4 stars; one submission).

Conditions:
Progressive myoclonic epilepsy type 3. Also called: EPILEPSY, PROGRESSIVE MYOCLONIC, 3, WITH OR WITHOUT INTRACELLULAR INCLUSIONS; CEROID LIPOFUSCINOSIS, NEURONAL, 14; EPILEPSY, PROGRESSIVE MYOCLONIC, 3, WITHOUT INTRACELLULAR INCLUSIONS; KCTD7-Related Progressive Myoclonic Epilepsy. Identifiers: Orphanet 263516, MedGen C2673257, MONDO:0012721, OMIM 611726.

Allele frequency attached by ClinVar (database versions not stated): gnomAD exomes below 0.00001.
gnomAD v4.1: 1 of 1,614,234 alleles (0.000062%); highest among the groups gnomAD compares: Non-Finnish European, 0.000085%; no homozygotes.

Submission:

Labcorp Genetics (formerly Invitae), Labcorp
Classification: Uncertain significance for Progressive myoclonic epilepsy type 3. Last evaluated: 2022-11-01. Review status: criteria provided, single submitter. Criteria: Invitae Variant Classification Sherloc (09022015). Collection method: clinical testing. Allele origin: germline.
Comment: This sequence change replaces alanine, which is neutral and non-polar, with threonine, which is neutral and polar, at codon 155 of the KCTD7 protein (p.Ala155Thr). In summary, the available evidence is currently insufficient to determine the role of this variant in disease. Therefore, it has been classified as a Variant of Uncertain Significance. Advanced modeling of protein sequence and biophysical properties (such as structural, functional, and spatial information, amino acid conservation, physicochemical variation, residue mobility, and thermodynamic stability) performed at Invitae indicates that this missense variant is not expected to disrupt KCTD7 protein function. ClinVar contains an entry for this variant (Variation ID: 1474347). This variant has not been reported in the literature in individuals affected with KCTD7-related conditions. This variant is not present in population databases (gnomAD no frequency).

NM_153033.5(KCTD7):c.463G>A (p.Ala155Thr)

Gene: KCTD7 (potassium channel tetramerization domain containing 7; plus strand). Cytogenetic location: 7q11.21.
Variant type: single nucleotide variant.
Coding change: c.463G>A on transcript NM_153033.5 (MANE Select); coding-DNA position 463, G replaced by A.
Protein change: p.Ala155Thr; replaces alanine 155 with threonine.
Molecular consequence: missense variant.
Genome position (GRCh38, 1-based): chr7:66,638,401, G>A. VCF-style: chr7-66638401-G-A. GRCh37 (hg19) VCF-style: chr7-66103388-G-A.
Other names: c.463G>A, p.Ala155Thr (NM_001167961.2); short protein forms A155T.
Identifiers: ClinVar variation 1474347 (VCV001474347.6), dbSNP rs2116774076, ClinGen allele CA367696472.